The following is an entry in ClinVar:

ClinVar aggregate classification (germline): Uncertain significance (1 of 4 stars; one submission).

Conditions:
Combined oxidative phosphorylation defect type 14. Also called: Combined oxidative phosphorylation deficiency 14. Identifiers: Orphanet 319519, MedGen C4755312, MONDO:0013986, OMIM 614946.

gnomAD v4.1: 1 of 1,614,168 alleles (0.000062%); highest among the groups gnomAD compares: Non-Finnish European, 0.000085%; no homozygotes.

Submission:

Labcorp Genetics (formerly Invitae), Labcorp
Classification: Uncertain significance for Combined oxidative phosphorylation defect type 14. Last evaluated: 2019-11-12. Review status: criteria provided, single submitter. Criteria: Invitae Variant Classification Sherloc (09022015). Collection method: clinical testing. Allele origin: germline.
Comment: In summary, the available evidence is currently insufficient to determine the role of this variant in disease. Therefore, it has been classified as a Variant of Uncertain Significance. Algorithms developed to predict the effect of missense changes on protein structure and function are either unavailable or do not agree on the potential impact of this missense change (SIFT: "Deleterious"; PolyPhen-2: "Probably Damaging"; Align-GVGD: "Class C0"). This variant has not been reported in the literature in individuals with FARS2-related conditions. This variant is not present in population databases (ExAC no frequency). This sequence change replaces asparagine with isoleucine at codon 77 of the FARS2 protein (p.Asn77Ile). The asparagine residue is moderately conserved and there is a large physicochemical difference between asparagine and isoleucine.

NM_006567.5(FARS2):c.230A>T (p.Asn77Ile)

Genes: FARS2 (phenylalanyl-tRNA synthetase 2, mitochondrial; plus strand), LOC126859565 (CDK7 strongly-dependent group 2 enhancer GRCh37_chr6:5368745-5369944; plus strand). Cytogenetic location: 6p25.1.
Variant type: single nucleotide variant.
Coding change: c.230A>T on transcript NM_006567.5 (MANE Select); coding-DNA position 230, A replaced by T.
Protein change: p.Asn77Ile; replaces asparagine 77 with isoleucine.
Molecular consequence: missense variant. On other transcripts: intron variant (2).
Genome position (GRCh38, 1-based): chr6:5,368,800, A>T. VCF-style: chr6-5368800-A-T. GRCh37 (hg19) VCF-style: chr6-5369033-A-T.
Other names: c.230A>T, p.Asn77Ile (NM_001318872.2, NM_001374875.1, NM_001374876.1 and 5 more transcripts); c.-340-27833A>T (NM_001375260.1); c.-84-35742A>T (NM_001375259.1); short protein forms N77I.
Identifiers: ClinVar variation 940460 (VCV000940460.10), dbSNP rs1758842999, ClinGen allele CA362734828.